The following is an entry in ClinVar:

NM_003108.4(SOX11):c.291G>T (p.Pro97=)

Gene: SOX11 (SRY-box transcription factor 11; plus strand). Cytogenetic location: 2p25.2.
Variant type: single nucleotide variant.
Coding change: c.291G>T on transcript NM_003108.4 (MANE Select); coding-DNA position 291, G replaced by T.
Protein change: p.Pro97=; no amino-acid change (proline 97 retained).
Molecular consequence: synonymous variant.
Genome position (GRCh38, 1-based): chr2:5,693,012, G>T. VCF-style: chr2-5693012-G-T. GRCh37 (hg19) VCF-style: chr2-5833144-G-T.
Identifiers: ClinVar variation 4778830 (VCV004778830.1).

ClinVar aggregate classification (germline): Uncertain significance (1 of 4 stars; one submission).

Submission:

Labcorp Genetics (formerly Invitae), Labcorp
Classification: Uncertain significance. Last evaluated: 2025-12-03. Review status: criteria provided, single submitter. Criteria: Invitae Variant Classification Sherloc (09022015). Collection method: clinical testing. Allele origin: germline.
Comment: This sequence change affects codon 97 of the SOX11 mRNA. It is a 'silent' change, meaning that it does not change the encoded amino acid sequence of the SOX11 protein. This variant is present in population databases (rs772104921, gnomAD 0.006%). This variant has not been reported in the literature in individuals affected with SOX11-related conditions. In summary, the available evidence is currently insufficient to determine the role of this variant in disease. Therefore, it has been classified as a Variant of Uncertain Significance.